The following is an entry in ClinVar:

NM_000059.4(BRCA2):c.1958_1964delinsTG (p.Glu653fs)

Gene: BRCA2 (BRCA2 DNA repair associated; plus strand). Cytogenetic location: 13q13.1.
Variant type: Indel.
Coding change: c.1958_1964delinsTG on transcript NM_000059.4 (MANE Select); coding-DNA positions 1958 to 1964, AAGAACC replaced by TG.
Protein change: p.Glu653fs; shifts the reading frame from glutamic acid 653.
Molecular consequence: frameshift variant.
Genome position (GRCh38, 1-based): chr13:32,336,313-32,336,319, AAGAACC replaced by TG. VCF-style: chr13-32336313-AAGAACC-TG. GRCh37 (hg19) VCF-style: chr13-32910450-AAGAACC-TG.
Other names: short protein forms E653fs.
Identifiers: ClinVar variation 659156 (VCV000659156.7), dbSNP rs1593895871, ClinGen allele CA915946979.

ClinVar aggregate classification (germline): Pathogenic (1 of 4 stars; one submission).

Conditions:
Hereditary breast ovarian cancer syndrome. Also called: BRCA1- and BRCA2-Associated Hereditary Breast and Ovarian Cancer; Hereditary breast and ovarian cancer syndrome; Hereditary breast and ovarian cancer syndrome (HBOC); Hereditary breast and/or ovarian cancer syndrome; Breast and ovarian cancer; Hereditary breast and ovarian cancer. Identifiers: Orphanet 145, MedGen C0677776, MeSH D061325, MONDO:0003582. Disease mechanism: loss of function.

Submission:

Labcorp Genetics (formerly Invitae), Labcorp
Classification: Pathogenic for Hereditary breast ovarian cancer syndrome. Last evaluated: 2019-03-29. Review status: criteria provided, single submitter. Criteria: Invitae Variant Classification Sherloc (09022015). Collection method: clinical testing. Allele origin: germline.
Comment: This variant has not been reported in the literature in individuals with BRCA2-related conditions. For these reasons, this variant has been classified as Pathogenic. Loss-of-function variants in BRCA2 are known to be pathogenic (PMID: 20104584). This variant is not present in population databases (ExAC no frequency). This sequence change creates a premature translational stop signal (p.Glu653Alafs*7) in the BRCA2 gene. It is expected to result in an absent or disrupted protein product.

Literature cited by the submitters: PubMed 20104584.